The following is an entry in ClinVar:

ClinVar aggregate classification (germline): Uncertain significance (1 of 4 stars; one submission).

Conditions:
Fanconi anemia (FA). Also called: Fanconi's anemia. Identifiers: Orphanet 84, MedGen C0015625, MeSH D005199, MONDO:0019391.

Allele frequency attached by ClinVar (database versions not stated): ExAC 0.00001; TOPMed 0.00001.
gnomAD v4.1: 1 of 1,614,164 alleles (0.000062%); highest among the groups gnomAD compares: African/African-American, 0.0013%; no homozygotes.

Submission:

Labcorp Genetics (formerly Invitae), Labcorp
Classification: Uncertain significance for Fanconi anemia. Last evaluated: 2026-01-16. Review status: criteria provided, single submitter. Criteria: Invitae Variant Classification Sherloc (09022015). Collection method: clinical testing. Allele origin: germline.
Comment: This sequence change replaces leucine, which is neutral and non-polar, with valine, which is neutral and non-polar, at codon 1362 of the FANCA protein (p.Leu1362Val). This variant is not present in population databases (gnomAD no frequency). This variant has not been reported in the literature in individuals affected with FANCA-related conditions. ClinVar contains an entry for this variant (Variation ID: 408203). Invitae Evidence Modeling of protein sequence and biophysical properties (such as structural, functional, and spatial information, amino acid conservation, physicochemical variation, residue mobility, and thermodynamic stability) has been performed for this missense variant. However, the output from this modeling did not meet the statistical confidence thresholds required to predict the impact of this variant on FANCA protein function. Algorithms developed to predict the effect of sequence changes on RNA splicing suggest that this variant may create or strengthen a splice site. In summary, the available evidence is currently insufficient to determine the role of this variant in disease. Therefore, it has been classified as a Variant of Uncertain Significance.

NM_000135.4(FANCA):c.4084T>G (p.Leu1362Val)

Genes: ZNF276 (zinc finger protein 276; plus strand), FANCA (FA complementation group A; minus strand). Cytogenetic location: 16q24.3.
Variant type: single nucleotide variant.
Coding change: c.4084T>G on transcript NM_000135.4 (MANE Select); coding-DNA position 4084, T replaced by G.
Protein change: p.Leu1362Val; replaces leucine 1362 with valine.
Molecular consequence: missense variant. On other transcripts: 3 prime UTR variant (2), non-coding transcript variant (4).
Genome position (GRCh38, 1-based): chr16:89,739,216, A>C on the plus strand (T>G on the coding strand, the complement: FANCA is on the minus strand). VCF-style: chr16-89739216-A-C. GRCh37 (hg19) VCF-style: chr16-89805624-A-C.
Other names: c.4084T>G, p.Leu1362Val (NM_001286167.3); c.*970A>C (NM_001113525.2, NM_152287.4); short protein forms L1362V.
Identifiers: ClinVar variation 408203 (VCV000408203.7), dbSNP rs775351812, ClinGen allele CA8250794.